The following is an entry in ClinVar:

NM_001035.3(RYR2):c.5428G>C (p.Val1810Leu)

Gene: RYR2 (ryanodine receptor 2; plus strand). Cytogenetic location: 1q43.
Variant type: single nucleotide variant.
Coding change: c.5428G>C on transcript NM_001035.3 (MANE Select); coding-DNA position 5428, G replaced by C.
Protein change: p.Val1810Leu; replaces valine 1810 with leucine.
Molecular consequence: missense variant.
Genome position (GRCh38, 1-based): chr1:237,614,556, G>C. VCF-style: chr1-237614556-G-C. GRCh37 (hg19) VCF-style: chr1-237777856-G-C.
Other names: c.5428G>C, p.Val1810Leu (LRG_402t1); short protein forms V1810L.
Identifiers: ClinVar variation 629465 (VCV000629465.21), dbSNP rs754364233, ClinGen allele CA086888.

ClinVar aggregate classification (germline): Conflicting classifications of pathogenicity. Review status: criteria provided, conflicting classifications (1 of 4 stars). 7 submissions from 6 submitters: Uncertain significance (1); Benign (1); Likely benign (5). Last evaluated 2025-07-03.

Conditions:
Catecholaminergic polymorphic ventricular tachycardia (CVPT). Also called: Catecholamine-induced polymorphic ventricular tachycardia. Identifiers: Orphanet 3286, MedGen C5574922, MONDO:0017990.
Catecholaminergic polymorphic ventricular tachycardia 1. Also called: RYR2-Related Catecholaminergic Polymorphic Ventricular Tachycardia; VENTRICULAR TACHYCARDIA, CATECHOLAMINERGIC POLYMORPHIC, 1, WITH OR WITHOUT ATRIAL DYSFUNCTION AND/OR DILATED CARDIOMYOPATHY; VENTRICULAR TACHYCARDIA, STRESS-INDUCED POLYMORPHIC 1. Identifiers: Orphanet 3286, MedGen C1631597, MONDO:0011484, OMIM 604772.
Cardiovascular phenotype. Identifiers: MedGen CN230736.
Cardiomyopathy (CMYO). Also called: Cardiomyopathies. Identifiers: Orphanet 167848, MedGen C0878544, MONDO:0004994, HP:0001638. Inheritance: Various modes of inheritance.
Arrhythmogenic right ventricular dysplasia 2. Identifiers: MedGen C1832931.

Allele frequency attached by ClinVar (database versions not stated): gnomAD 0.00002 and 0.00005; TOPMed 0.00002; gnomAD exomes 0.00005 and 0.00008; ExAC 0.00008; 1000 Genomes Project 30x 0.00016.
gnomAD v4.1: 75 of 1,614,054 alleles (0.0046%); highest among the groups gnomAD compares: East Asian, 0.16%; no homozygotes.

Submissions (7):

Women's Health and Genetics/Laboratory Corporation of America, LabCorp
Classification: Likely benign. Last evaluated: 2025-07-03. Review status: criteria provided, single submitter. Criteria: LabCorp Variant Classification Summary - May 2015. Collection method: clinical testing. Allele origin: germline.

Labcorp Genetics (formerly Invitae), Labcorp
Classification: Likely benign for Catecholaminergic polymorphic ventricular tachycardia 1. Last evaluated: 2024-10-09. Review status: criteria provided, single submitter. Criteria: Invitae Variant Classification Sherloc (09022015). Collection method: clinical testing. Allele origin: germline.

Ambry Genetics
Classification: Likely benign for Cardiovascular phenotype. Last evaluated: 2024-04-06. Review status: criteria provided, single submitter. Criteria: Ambry Variant Classification Scheme 2023. Collection method: clinical testing. Allele origin: germline.

All of Us Research Program, National Institutes of Health
Classification: Likely benign for Catecholaminergic polymorphic ventricular tachycardia. Last evaluated: 2023-02-22. Review status: criteria provided, single submitter. Criteria: ACMG Guidelines, 2015. Collection method: clinical testing. Allele origin: germline. Inheritance: Autosomal dominant inheritance. Observed: 2 variant alleles, 2 heterozygotes.
Comment: This study involves interpretation of variants in research participants for the purpose of population health screening. Participant phenotype was not available at the time of variant classification. Additional details can be found in publication PMID: 35346344, PMCID: PMC8962531

Color Diagnostics, LLC DBA Color Health
Classification: Likely benign for Cardiomyopathy. Last evaluated: 2018-10-11. Review status: criteria provided, single submitter. Criteria: ACMG Guidelines, 2015. Collection method: clinical testing. Allele origin: germline.

Illumina Laboratory Services, Illumina
Classification: Benign for Catecholaminergic polymorphic ventricular tachycardia 1. Last evaluated: 2017-04-28. Review status: criteria provided, single submitter. Criteria: ICSL Variant Classification Criteria 13 December 2019. Collection method: clinical testing. Allele origin: germline.
Comment: This variant was observed as part of a predisposition screen in an ostensibly healthy population. A literature search was performed for the gene, cDNA change, and amino acid change (where applicable). Publications were found based on this search. The evidence from the literature, in combination with allele frequency data from public databases where available, was sufficient to rule this variant out of causing disease. Therefore, this variant is classified as benign.

Illumina Laboratory Services, Illumina
Classification: Uncertain significance for Catecholaminergic polymorphic ventricular tachycardia 1. Last evaluated: 2017-04-28. Review status: criteria provided, single submitter. Criteria: ICSL Variant Classification Criteria 13 December 2019. Collection method: clinical testing. Allele origin: germline.

Literature cited by the submitters: PubMed 22396703 (cited by Ambry Genetics and Illumina Laboratory Services, Illumina); PubMed 24978818 (cited by Ambry Genetics and Illumina Laboratory Services, Illumina); PubMed 24025405 (cited by Illumina Laboratory Services, Illumina).